The following is an entry in ClinVar:

NM_139057.4(ADAMTS17):c.1133A>T (p.Asp378Val)

Gene: ADAMTS17 (ADAM metallopeptidase with thrombospondin type 1 motif 17; minus strand). Cytogenetic location: 15q26.3.
Variant type: single nucleotide variant.
Coding change: c.1133A>T on transcript NM_139057.4 (MANE Select); coding-DNA position 1133, A replaced by T.
Protein change: p.Asp378Val; replaces aspartic acid 378 with valine.
Molecular consequence: missense variant.
Genome position (GRCh38, 1-based): chr15:100,199,366, T>A on the plus strand (A>T on the coding strand, the complement: ADAMTS17 is on the minus strand). VCF-style: chr15-100199366-T-A. GRCh37 (hg19) VCF-style: chr15-100739571-T-A.
Other names: short protein forms D378V.
Identifiers: ClinVar variation 1409780 (VCV001409780.6), dbSNP rs1404071816, ClinGen allele CA393937297.

ClinVar aggregate classification (germline): Uncertain significance (1 of 4 stars; one submission).

Submission:

Labcorp Genetics (formerly Invitae), Labcorp
Classification: Uncertain significance. Last evaluated: 2021-08-07. Review status: criteria provided, single submitter. Criteria: Invitae Variant Classification Sherloc (09022015). Collection method: clinical testing. Allele origin: germline.
Comment: This sequence change replaces aspartic acid with valine at codon 378 of the ADAMTS17 protein (p.Asp378Val). The aspartic acid residue is highly conserved and there is a large physicochemical difference between aspartic acid and valine. In summary, the available evidence is currently insufficient to determine the role of this variant in disease. Therefore, it has been classified as a Variant of Uncertain Significance. Algorithms developed to predict the effect of missense changes on protein structure and function are either unavailable or do not agree on the potential impact of this missense change (SIFT: "Not Available"; PolyPhen-2: "Probably Damaging"; Align-GVGD: "Not Available"). This variant has not been reported in the literature in individuals affected with ADAMTS17-related conditions. This variant is not present in population databases (ExAC no frequency).